The following is an entry in ClinVar:

ClinVar aggregate classification (germline): Uncertain significance. Review status: criteria provided, multiple submitters, no conflicts (2 of 4 stars). 2 submissions from 2 submitters: Uncertain significance (2). Last evaluated 2025-10-10.

Conditions:
Ataxia-telangiectasia syndrome (AT). Also called: LOUIS-BAR SYNDROME; Cerebello-oculocutaneous telangiectasia; Immunodeficiency with ataxia telangiectasia; Ataxia telangiectasia (A-T); Ataxia-telangiectasia, complementation group D; AT, COMPLEMENTATION GROUP C. Identifiers: Orphanet 100, MedGen C0004135, MONDO:0008840, OMIM 208900.
Hereditary cancer-predisposing syndrome. Also called: Tumor predisposition; Neoplastic Syndromes, Hereditary; Hereditary Cancer Syndrome; Hereditary neoplastic syndrome. Identifiers: Orphanet 140162, MedGen C0027672, MeSH D009386, MONDO:0015356.

Submissions (2):

Ambry Genetics
Classification: Uncertain significance for Hereditary cancer-predisposing syndrome. Last evaluated: 2025-10-10. Review status: criteria provided, single submitter. Criteria: Ambry Variant Classification Scheme 2023. Collection method: clinical testing. Allele origin: germline.
Comment: The p.Q2724E variant (also known as c.8170C>G), located in coding exon 55 of the ATM gene, results from a C to G substitution at nucleotide position 8170. The glutamine at codon 2724 is replaced by glutamic acid, an amino acid with highly similar properties. This amino acid position is conserved. In addition, this alteration is predicted to be deleterious by in silico analysis. Based on the available evidence, the clinical significance of this variant remains unclear.

Labcorp Genetics (formerly Invitae), Labcorp
Classification: Uncertain significance for Ataxia-telangiectasia syndrome. Last evaluated: 2023-10-22. Review status: criteria provided, single submitter. Criteria: Invitae Variant Classification Sherloc (09022015). Collection method: clinical testing. Allele origin: germline.
Comment: This sequence change replaces glutamine, which is neutral and polar, with glutamic acid, which is acidic and polar, at codon 2724 of the ATM protein (p.Gln2724Glu). This variant is not present in population databases (gnomAD no frequency). This variant has not been reported in the literature in individuals affected with ATM-related conditions. An algorithm developed to predict the effect of missense changes on protein structure and function (PolyPhen-2) suggests that this variant is likely to be disruptive. In summary, the available evidence is currently insufficient to determine the role of this variant in disease. Therefore, it has been classified as a Variant of Uncertain Significance.

NM_000051.4(ATM):c.8170C>G (p.Gln2724Glu)

Genes: ATM (ATM serine/threonine kinase; plus strand), C11orf65 (chromosome 11 open reading frame 65; minus strand). Cytogenetic location: 11q22.3.
Variant type: single nucleotide variant.
Coding change: c.8170C>G on transcript NM_000051.4 (MANE Select); coding-DNA position 8170, C replaced by G.
Protein change: p.Gln2724Glu; replaces glutamine 2724 with glutamic acid.
Molecular consequence: missense variant. On other transcripts: intron variant (2).
Genome position (GRCh38, 1-based): chr11:108,335,863, C>G. VCF-style: chr11-108335863-C-G. GRCh37 (hg19) VCF-style: chr11-108206590-C-G.
Other names: c.8170C>G, p.Gln2724Glu (NM_001351834.2); c.641-26792G>C (NM_001330368.2); c.695-571G>C (NM_001351110.2); short protein forms Q2724E.
Identifiers: ClinVar variation 2788012 (VCV002788012.3), dbSNP rs2086784990, ClinGen allele CA382562492.